The following is an entry in ClinVar:

ClinVar aggregate classification (germline): Uncertain significance (1 of 4 stars; one submission).

Conditions:
Inborn genetic diseases. Identifiers: MedGen C0950123, MeSH D030342.

Submission:

Ambry Genetics
Classification: Uncertain significance for Inborn genetic diseases. Last evaluated: 2026-06-20. Review status: criteria provided, single submitter. Criteria: Ambry Variant Classification Scheme 2023. Collection method: clinical testing. Allele origin: germline.
Comment: The p.Q888K variant (also known as c.2662C>A), located in coding exon 15 of the RECQL4 gene, results from a C to A substitution at nucleotide position 2662. The glutamine at codon 888 is replaced by lysine, an amino acid with similar properties. This amino acid position is conserved. In addition, this alteration is predicted to be tolerated by in silico analysis. Based on the available evidence, the clinical significance of this variant remains unclear.

NM_004260.4(RECQL4):c.2662C>A (p.Gln888Lys)

Gene: RECQL4 (RecQ like helicase 4; minus strand). Cytogenetic location: 8q24.3.
Variant type: single nucleotide variant.
Coding change: c.2662C>A on transcript NM_004260.4 (MANE Select); coding-DNA position 2662, C replaced by A.
Protein change: p.Gln888Lys; replaces glutamine 888 with lysine.
Molecular consequence: missense variant. On other transcripts: non-coding transcript variant (3).
Genome position (GRCh38, 1-based): chr8:144,512,940, G>T on the plus strand (C>A on the coding strand, the complement: RECQL4 is on the minus strand). VCF-style: chr8-144512940-G-T. GRCh37 (hg19) VCF-style: chr8-145738323-G-T.
Other names: c.2311C>A, p.Gln771Lys (NM_001413029.1); c.1525C>A, p.Gln509Lys (NM_001413030.1, NM_001413032.1, NM_001413027.1 and 1 more transcripts); c.1393C>A, p.Gln465Lys (NM_001413031.1, NM_001413038.1); c.2530C>A, p.Gln844Lys (NM_001413033.1); c.1591C>A, p.Gln531Lys (NM_001413034.1, NM_001413035.1, NM_001413021.1 and 5 more transcripts); c.2662C>A, p.Gln888Lys (NM_001413036.1, NM_001413019.1); c.1459C>A, p.Gln487Lys (NM_001413037.1); c.2368C>A, p.Gln790Lys (NM_001413017.1); and 6 more; short protein forms Q399K, Q521K, Q790K, Q888K, Q487K, Q845K, Q878K, Q465K.
Identifiers: ClinVar variation 5028072 (VCV005028072.1).